The following is an entry in ClinVar:

ClinVar aggregate classification (germline): Likely benign (0 of 4 stars; one submission).

Conditions:
SEMA3D-related disorder. Also called: SEMA3D-related condition.

gnomAD v4.1: 9 of 1,610,562 alleles (0.00056%); highest among the groups gnomAD compares: Admixed American, 0.013%; no homozygotes.

Submission:

PreventionGenetics, part of Exact Sciences
Classification: Likely benign for SEMA3D-related condition. Last evaluated: 2022-07-18. Review status: no assertion criteria provided. Collection method: clinical testing. Allele origin: germline.
Comment: This variant is classified as likely benign based on ACMG/AMP sequence variant interpretation guidelines (Richards et al. 2015 PMID: 25741868, with internal and published modifications).

NM_001384900.1(SEMA3D):c.1737C>T (p.Asp579=)

Gene: SEMA3D (semaphorin 3D; minus strand). Cytogenetic location: 7q21.11.
Variant type: single nucleotide variant.
Coding change: c.1737C>T on transcript NM_001384900.1 (MANE Select); coding-DNA position 1737, C replaced by T.
Protein change: p.Asp579=; no amino-acid change (aspartic acid 579 retained).
Molecular consequence: synonymous variant.
Genome position (GRCh38, 1-based): chr7:85,012,813, G>A on the plus strand (C>T on the coding strand, the complement: SEMA3D is on the minus strand). VCF-style: chr7-85012813-G-A. GRCh37 (hg19) VCF-style: chr7-84642129-G-A.
Other names: c.1737C>T, p.Asp579= (NM_001384901.1, NM_001384902.1, NM_001384903.1 and 1 more transcripts).
Identifiers: ClinVar variation 3354109 (VCV003354109.1).